The following is an entry in ClinVar:

NM_000051.4(ATM):c.8944C>A (p.Pro2982Thr)

Genes: ATM (ATM serine/threonine kinase; plus strand), C11orf65 (chromosome 11 open reading frame 65; minus strand). Cytogenetic location: 11q22.3.
Variant type: single nucleotide variant.
Coding change: c.8944C>A on transcript NM_000051.4 (MANE Select); coding-DNA position 8944, C replaced by A.
Protein change: p.Pro2982Thr; replaces proline 2982 with threonine.
Molecular consequence: missense variant. On other transcripts: intron variant (2).
Genome position (GRCh38, 1-based): chr11:108,365,175, C>A. VCF-style: chr11-108365175-C-A. GRCh37 (hg19) VCF-style: chr11-108235902-C-A.
Other names: c.694+20745G>T (NM_001351110.2); c.8944C>A, p.Pro2982Thr (NM_001351834.2); c.640+20745G>T (NM_001330368.2); short protein forms P2982T.
Identifiers: ClinVar variation 935551 (VCV000935551.10), dbSNP rs1485620194, ClinGen allele CA382530148.

ClinVar aggregate classification (germline): Uncertain significance (1 of 4 stars; one submission).

Conditions:
Ataxia-telangiectasia syndrome (AT). Also called: Ataxia-telangiectasia, complementation group D; AT, COMPLEMENTATION GROUP C; ATAXIA-TELANGIECTASIA, COMPLEMENTATION GROUP A; ATAXIA-TELANGIECTASIA, FRESNO VARIANT; Ataxia-telangiectasia; Ataxia telangiectasia (A-T). Identifiers: Orphanet 100, MedGen C0004135, MONDO:0008840, OMIM 208900.

Submission:

Labcorp Genetics (formerly Invitae), Labcorp
Classification: Uncertain significance for Ataxia-telangiectasia syndrome. Last evaluated: 2019-09-29. Review status: criteria provided, single submitter. Criteria: Invitae Variant Classification Sherloc (09022015). Collection method: clinical testing. Allele origin: germline.
Comment: This variant has not been reported in the literature in individuals with ATM-related conditions. In summary, the available evidence is currently insufficient to determine the role of this variant in disease. Therefore, it has been classified as a Variant of Uncertain Significance. Algorithms developed to predict the effect of missense changes on protein structure and function (SIFT, PolyPhen-2, Align-GVGD) all suggest that this variant is likely to be tolerated, but these predictions have not been confirmed by published functional studies and their clinical significance is uncertain. This variant is not present in population databases (ExAC no frequency). This sequence change replaces proline with threonine at codon 2982 of the ATM protein (p.Pro2982Thr). The proline residue is weakly conserved and there is a small physicochemical difference between proline and threonine.